The following is an entry in ClinVar:

NM_002471.4(MYH6):c.4959+12C>T

Genes: MYH6 (myosin heavy chain 6; minus strand), LOC126861896 (BRD4-independent group 4 enhancer GRCh37_chr14:23854904-23856103; plus strand). Cytogenetic location: 14q11.2.
Variant type: single nucleotide variant.
Coding change: c.4959+12C>T on transcript NM_002471.4 (MANE Select); 12 bases into the intron after coding-DNA position 4959, C replaced by T.
Molecular consequence: intron variant.
Genome position (GRCh38, 1-based): chr14:23,386,303, G>A on the plus strand (C>T on the coding strand, the complement: MYH6 is on the minus strand). VCF-style: chr14-23386303-G-A. GRCh37 (hg19) VCF-style: chr14-23855512-G-A.
Identifiers: ClinVar variation 44527 (VCV000044527.17), dbSNP rs371661383, ClinGen allele CA134449.
Genomic context (GRCh38, chr14:23,386,303, plus strand): 5'-TATCCAGACACCACTGCTTCTCCAGGCCACATGGAGGCCAGTCCCCTGAGGGGACCTCCC[G>A]CCCCCATGTACCTTCAGCAAGCTCTGGAGGCTCTTGACTTGCTTCTGGGCCTCGGCAGCC-3'

ClinVar aggregate classification (germline): Likely benign. Review status: criteria provided, multiple submitters, no conflicts (2 of 4 stars). 7 submissions from 7 submitters: Likely benign (5). 2 of the submissions do not count toward it. Last evaluated 2026-05-25.

Conditions:
MYH6-related disorder. Also called: MYH6-Related Disorders; MYH6-related condition.
Hypertrophic cardiomyopathy 14. Identifiers: MedGen C2750467, MONDO:0013197, OMIM 613251.

Allele frequency attached by ClinVar (database versions not stated): ESP Exome Variant Server 0.00015; gnomAD 0.00003; TOPMed 0.00006.
gnomAD v4.1: 130 of 1,614,044 alleles (0.0081%); highest among the groups gnomAD compares: African/African-American, 0.016%; 1 homozygote.

Submissions (7):

PreventionGenetics, part of Exact Sciences
Classification: Likely benign for MYH6-related condition. Last evaluated: 2026-05-25. Review status: criteria provided, single submitter. Criteria: ACMG Guidelines, 2015. Collection method: clinical testing. Allele origin: germline.
Comment: This variant is classified as likely benign based on ACMG/AMP sequence variant interpretation guidelines (Richards et al. 2015 PMID: 25741868, with internal and published modifications).

Labcorp Genetics (formerly Invitae), Labcorp
Classification: Likely benign for Hypertrophic cardiomyopathy 14. Last evaluated: 2025-10-10. Review status: criteria provided, single submitter. Criteria: Invitae Variant Classification Sherloc (09022015). Collection method: clinical testing. Allele origin: germline.

Blueprint Genetics
Classification: Likely benign. Last evaluated: 2024-05-20. Review status: criteria provided, single submitter. Criteria: ACMG Guidelines, 2015. Collection method: clinical testing. Allele origin: germline.

GeneDx
Classification: Likely benign. Last evaluated: 2017-12-06. Review status: criteria provided, single submitter. Criteria: GeneDx Variant Classification (06012015). Collection method: clinical testing. Allele origin: germline. Affected: yes.
Comment: This variant is considered likely benign or benign based on one or more of the following criteria: it is a conservative change, it occurs at a poorly conserved position in the protein, it is predicted to be benign by multiple in silico algorithms, and/or has population frequency not consistent with disease.

Laboratory for Molecular Medicine, Mass General Brigham Personalized Medicine
Classification: Likely benign. Last evaluated: 2012-03-19. Review status: criteria provided, single submitter. Criteria: LMM Criteria. Collection method: clinical testing. Allele origin: germline. Observed: 1 variant allele.
Comment: 4959+12C>T in intron 33 of MYH6: This variant is not expected to have clinical s ignificance because it is not located within the splice consensus sequence. It h as been identified in 1/7020 European American chromosomes from a broad populati on by the NHLBI Exome Sequencing Project. 49 59+12C>T in intron 33 of MYH6 (allele frequency = 1/7020) **

Genome Diagnostics Laboratory, University Medical Center Utrecht
Classification: Likely benign. Review status: no assertion criteria provided. Collection method: clinical testing. Allele origin: germline. Affected: yes. Study: VKGL Data-share Consensus. Not counted in ClinVar's aggregate classification.

Joint Genome Diagnostic Labs from Nijmegen and Maastricht, Radboudumc and MUMC+
Classification: Likely benign. Review status: no assertion criteria provided. Collection method: clinical testing. Allele origin: germline. Affected: yes. Study: VKGL Data-share Consensus. Not counted in ClinVar's aggregate classification.